The following is an entry in ClinVar:

ClinVar aggregate classification (germline): Uncertain significance (1 of 4 stars; one submission).

Conditions:
Achondrogenesis, type IA (ACG1A). Identifiers: Orphanet 932, Orphanet 93299, MedGen C0265273, MONDO:0008701, OMIM 200600.

Allele frequency attached by ClinVar (database versions not stated): TOPMed below 0.00001; ExAC 0.00001; gnomAD 0.00001; gnomAD exomes 0.00001.
gnomAD v4.1: 10 of 1,613,032 alleles (0.00062%); highest among the groups gnomAD compares: African/African-American, 0.0013%; no homozygotes.

Submission:

Labcorp Genetics (formerly Invitae), Labcorp
Classification: Uncertain significance for Achondrogenesis, type IA. Last evaluated: 2022-06-11. Review status: criteria provided, single submitter. Criteria: Invitae Variant Classification Sherloc (09022015). Collection method: clinical testing. Allele origin: germline.
Comment: In summary, the available evidence is currently insufficient to determine the role of this variant in disease. Therefore, it has been classified as a Variant of Uncertain Significance. Algorithms developed to predict the effect of missense changes on protein structure and function are either unavailable or do not agree on the potential impact of this missense change (SIFT: "Not Available"; PolyPhen-2: "Probably Damaging"; Align-GVGD: "Not Available"). This sequence change replaces glutamic acid, which is acidic and polar, with glycine, which is neutral and non-polar, at codon 605 of the TRIP11 protein (p.Glu605Gly). This variant is present in population databases (rs761057694, gnomAD 0.007%). This variant has not been reported in the literature in individuals affected with TRIP11-related conditions.

NM_004239.4(TRIP11):c.1814A>G (p.Glu605Gly)

Gene: TRIP11 (thyroid hormone receptor interactor 11; minus strand). Cytogenetic location: 14q32.12.
Variant type: single nucleotide variant.
Coding change: c.1814A>G on transcript NM_004239.4 (MANE Select); coding-DNA position 1814, A replaced by G.
Protein change: p.Glu605Gly; replaces glutamic acid 605 with glycine.
Molecular consequence: missense variant.
Genome position (GRCh38, 1-based): chr14:92,006,162, T>C on the plus strand (A>G on the coding strand, the complement: TRIP11 is on the minus strand). VCF-style: chr14-92006162-T-C. GRCh37 (hg19) VCF-style: chr14-92472506-T-C.
Other names: c.1811A>G, p.Glu604Gly (NM_001321851.1); short protein forms E604G, E605G.
Identifiers: ClinVar variation 1978953 (VCV001978953.4), dbSNP rs761057694, ClinGen allele CA7313873.